The following is an entry in ClinVar:

NM_017534.6(MYH2):c.710A>G (p.Lys237Arg)

Genes: MYH2 (myosin heavy chain 2; minus strand), MYHAS (myosin heavy chain gene cluster antisense RNA; plus strand), LOC126862501 (CDK7 strongly-dependent group 2 enhancer GRCh37_chr17:10446256-10447455; plus strand). Cytogenetic location: 17p13.1.
Variant type: single nucleotide variant.
Coding change: c.710A>G on transcript NM_017534.6 (MANE Select); coding-DNA position 710, A replaced by G.
Protein change: p.Lys237Arg; replaces lysine 237 with arginine.
Molecular consequence: missense variant.
Genome position (GRCh38, 1-based): chr17:10,543,742, T>C on the plus strand (A>G on the coding strand, the complement: MYH2 is on the minus strand). VCF-style: chr17-10543742-T-C. GRCh37 (hg19) VCF-style: chr17-10447059-T-C.
Other names: c.710A>G (NM_017534.5); c.710A>G, p.Lys237Arg (NM_001100112.2); short protein forms K237R.
Identifiers: ClinVar variation 1981011 (VCV001981011.7), dbSNP rs2508469236, ClinGen allele CA398168558.

ClinVar aggregate classification (germline): Uncertain significance. Review status: criteria provided, multiple submitters, no conflicts (2 of 4 stars). 2 submissions from 2 submitters: Uncertain significance (2). Last evaluated 2022-05-16.

Conditions:
Myopathy, proximal, and ophthalmoplegia (CMYO6). Also called: MYOPATHY WITH CONGENITAL JOINT CONTRACTURES, OPHTHALMOPLEGIA, AND RIMMED VACUOLES; INCLUSION BODY MYOPATHY 3, AUTOSOMAL DOMINANT; CONGENITAL MYOPATHY 6 WITH OPHTHALMOPLEGIA. Identifiers: Orphanet 363677, Orphanet 79091, MedGen C1854106, MONDO:0011577, OMIM 605637.

Allele frequency attached by ClinVar (database versions not stated): gnomAD exomes below 0.00001.
gnomAD v4.1: 1 of 1,614,240 alleles (0.000062%); highest among the groups gnomAD compares: Non-Finnish European, 0.000085%; no homozygotes.

Submissions (2):

Labcorp Genetics (formerly Invitae), Labcorp
Classification: Uncertain significance for Myopathy, proximal, and ophthalmoplegia. Last evaluated: 2022-05-16. Review status: criteria provided, single submitter. Criteria: Invitae Variant Classification Sherloc (09022015). Collection method: clinical testing. Allele origin: germline.
Comment: Algorithms developed to predict the effect of missense changes on protein structure and function (SIFT, PolyPhen-2, Align-GVGD) all suggest that this variant is likely to be disruptive. This variant has not been reported in the literature in individuals affected with MYH2-related conditions. This variant is not present in population databases (gnomAD no frequency). This sequence change replaces lysine, which is basic and polar, with arginine, which is basic and polar, at codon 237 of the MYH2 protein (p.Lys237Arg). In summary, the available evidence is currently insufficient to determine the role of this variant in disease. Therefore, it has been classified as a Variant of Uncertain Significance.

Revvity Omics, Revvity
Classification: Uncertain significance for Myopathy, proximal, and ophthalmoplegia. Last evaluated: 2019-06-26. Review status: criteria provided, single submitter. Criteria: ACMG Guidelines, 2015. Collection method: clinical testing. Allele origin: germline.